The following is an entry in ClinVar:

NM_000290.4(PGAM2):c.368C>G (p.Pro123Arg)

Genes: DBNL (drebrin like; plus strand), PGAM2 (phosphoglycerate mutase 2; minus strand), LOC129998342 (ATAC-STARR-seq lymphoblastoid active region 25925; plus strand). Cytogenetic location: 7p13.
Variant type: single nucleotide variant.
Coding change: c.368C>G on transcript NM_000290.4 (MANE Select); coding-DNA position 368, C replaced by G.
Protein change: p.Pro123Arg; replaces proline 123 with arginine.
Molecular consequence: missense variant. On other transcripts: 3 prime UTR variant (6).
Genome position (GRCh38, 1-based): chr7:44,065,162, G>C on the plus strand (C>G on the coding strand, the complement: PGAM2 is on the minus strand). VCF-style: chr7-44065162-G-C. GRCh37 (hg19) VCF-style: chr7-44104761-G-C.
Other names: c.*4246G>C (NM_001014436.3, NM_001122956.2, NM_001284313.2 and 3 more transcripts); short protein forms P123R.
Identifiers: ClinVar variation 1370191 (VCV001370191.6), dbSNP rs372435680, ClinGen allele CA4236606.

ClinVar aggregate classification (germline): Uncertain significance (1 of 4 stars; one submission).

Conditions:
Glycogen storage disease type X (GSD10). Also called: Dimauro disease; Glycogen storage disease due to phosphoglycerate mutase deficiency; GSD X; MYOPATHY DUE TO PHOSPHOGLYCERATE MUTASE DEFICIENCY; PGAMM DEFICIENCY; PHOSPHOGLYCERATE MUTASE, MUSCLE, DEFICIENCY OF. Identifiers: Orphanet 97234, MedGen C0268149, MONDO:0009865, OMIM 261670.

gnomAD v4.1: 17 of 1,613,904 alleles (0.0011%); highest among the groups gnomAD compares: Non-Finnish European, 0.0013%; no homozygotes.

Submission:

Labcorp Genetics (formerly Invitae), Labcorp
Classification: Uncertain significance for Glycogen storage disease type X. Last evaluated: 2021-11-23. Review status: criteria provided, single submitter. Criteria: Invitae Variant Classification Sherloc (09022015). Collection method: clinical testing. Allele origin: germline.
Comment: In summary, the available evidence is currently insufficient to determine the role of this variant in disease. Therefore, it has been classified as a Variant of Uncertain Significance. Algorithms developed to predict the effect of missense changes on protein structure and function (SIFT, PolyPhen-2, Align-GVGD) all suggest that this variant is likely to be disruptive. This variant has not been reported in the literature in individuals affected with PGAM2-related conditions. This variant is present in population databases (rs372435680, gnomAD 0.0009%). This sequence change replaces proline, which is neutral and non-polar, with arginine, which is basic and polar, at codon 123 of the PGAM2 protein (p.Pro123Arg).